The following is an entry in ClinVar:

ClinVar aggregate classification (germline): Pathogenic (1 of 4 stars; one submission).

Conditions:
Osteogenesis imperfecta type I (OI1). Also called: OI, TYPE I; OSTEOGENESIS IMPERFECTA TARDA; OSTEOGENESIS IMPERFECTA WITH BLUE SCLERAE; Osteogenesis imperfecta type 1; Lobstein's Disease; Lobstein disease. Identifiers: Orphanet 216796, Orphanet 666, MedGen C0023931, MONDO:0008146, OMIM 166200. Disease mechanism: loss of function.

Submission:

Laboratory of Genetic Skeletal Anomaly, Seoul National University Children's Hospital
Classification: Pathogenic for Osteogenesis imperfecta type I. Last evaluated: 2025-03-01. Review status: criteria provided, single submitter. Criteria: ACMG Guidelines, 2015. Collection method: research. Allele origin: germline. Affected: yes.
Comment: This variant is a novel variant not previously reported in the literature or population databases. It was classified based on available in silico predictions and absence from gnomAD.

NM_000088.4(COL1A1):c.3532-3_3532-1del

Gene: COL1A1 (collagen type I alpha 1 chain; minus strand). Cytogenetic location: 17q21.33.
Variant type: Deletion.
Coding change: c.3532-3_3532-1del on transcript NM_000088.4 (MANE Select); 3 bases into the intron before coding-DNA position 3532 through the canonical splice acceptor site of the intron before coding-DNA position 3532, 3 bases deleted (CAG; older notation c.3532-3_3532-1delCAG).
Molecular consequence: splice acceptor variant.
Genome position (GRCh38, 1-based): chr17:50,186,923-50,186,925, CTG deleted on the plus strand (CAG on the coding strand, the reverse complement: COL1A1 is on the minus strand); deleting any 3 consecutive bases within chr17:50,186,923-50,186,926 gives the same sequence; the c. name uses the placement nearest the transcript's 3' end. VCF-style (leftmost placement, unchanged base first): chr17-50186922-CCTG-C. GRCh37 (hg19) VCF-style: chr17-48264283-CCTG-C.
Other names: c.3532-3_3532-1delCAG (NM_000088.4).
Identifiers: ClinVar variation 4280705 (VCV004280705.1).